The following is an entry in ClinVar:

NM_003924.4(PHOX2B):c.250A>C (p.Lys84Gln)

Gene: PHOX2B (paired like homeobox 2B; minus strand). Cytogenetic location: 4p13.
Variant type: single nucleotide variant.
Coding change: c.250A>C on transcript NM_003924.4 (MANE Select); coding-DNA position 250, A replaced by C.
Protein change: p.Lys84Gln; replaces lysine 84 with glutamine.
Molecular consequence: missense variant.
Genome position (GRCh38, 1-based): chr4:41,747,528, T>G on the plus strand (A>C on the coding strand, the complement: PHOX2B is on the minus strand). VCF-style: chr4-41747528-T-G. GRCh37 (hg19) VCF-style: chr4-41749545-T-G.
Other names: c.250A>C (NM_003924.3); short protein forms K84Q.
Identifiers: ClinVar variation 1514593 (VCV001514593.9), dbSNP rs2153112950, ClinGen allele CA356740598.
Genomic context (GRCh38, chr4:41,747,528, plus strand): 5'-TGGTGCGGATGCGCCGCTGCTTGCGCTTCTCGTTGAGGCCGCCGTGGTCCGTGAAGAGTT[T>G]GTAAGGAACTAGAGTATGACAGAGGAGACAGAAAGTGAGCAAATCAGCCGGCAGCTCGCC-3'
Protein context (NP_003915.2, residues 74-94): QSSPYAAVPY[Lys84Gln]LFTDHGGLNE

ClinVar aggregate classification (germline): Uncertain significance. Review status: criteria provided, multiple submitters, no conflicts (2 of 4 stars). 2 submissions from 2 submitters: Uncertain significance (2). Last evaluated 2024-03-28.

Conditions:
Hereditary cancer-predisposing syndrome. Also called: Tumor predisposition; Neoplastic Syndromes, Hereditary; Hereditary neoplastic syndrome; Hereditary Cancer Syndrome. Identifiers: Orphanet 140162, MedGen C0027672, MeSH D009386, MONDO:0015356.
Haddad syndrome (OHD). Also called: Ondine-Hirschsprung disease. Identifiers: MedGen C1859049, MONDO:0020493, Orphanet 99803.

Submissions (2):

Ambry Genetics
Classification: Uncertain significance for Hereditary cancer-predisposing syndrome. Last evaluated: 2024-03-28. Review status: criteria provided, single submitter. Criteria: Ambry Variant Classification Scheme 2023. Collection method: clinical testing. Allele origin: germline.
Comment: The p.K84Q variant (also known as c.250A>C), located in coding exon 2 of the PHOX2B gene, results from an A to C substitution at nucleotide position 250. The lysine at codon 84 is replaced by glutamine, an amino acid with similar properties. This amino acid position is conserved. In addition, the in silico prediction for this alteration is inconclusive. Based on the available evidence, the clinical significance of this alteration remains unclear.

Labcorp Genetics (formerly Invitae), Labcorp
Classification: Uncertain significance for Haddad syndrome. Last evaluated: 2021-05-07. Review status: criteria provided, single submitter. Criteria: Invitae Variant Classification Sherloc (09022015). Collection method: clinical testing. Allele origin: germline.
Comment: This sequence change replaces lysine with glutamine at codon 84 of the PHOX2B protein (p.Lys84Gln). The lysine residue is highly conserved and there is a small physicochemical difference between lysine and glutamine. In summary, the available evidence is currently insufficient to determine the role of this variant in disease. Therefore, it has been classified as a Variant of Uncertain Significance. Algorithms developed to predict the effect of missense changes on protein structure and function (SIFT, PolyPhen-2, Align-GVGD) all suggest that this variant is likely to be disruptive, but these predictions have not been confirmed by published functional studies and their clinical significance is uncertain. This variant has not been reported in the literature in individuals with PHOX2B-related conditions. This variant is not present in population databases (ExAC no frequency).